The following is an entry in ClinVar:

ClinVar aggregate classification (germline): Likely benign. Review status: criteria provided, multiple submitters, no conflicts (2 of 4 stars). 3 submissions from 3 submitters: Likely benign (3). Last evaluated 2025-02-01.

Allele frequency attached by ClinVar (database versions not stated): TOPMed 0.00004; gnomAD 0.00005; ESP Exome Variant Server 0.00008.
gnomAD v4.1: 110 of 1,611,590 alleles (0.0068%); highest among the groups gnomAD compares: Non-Finnish European, 0.0092%; no homozygotes.

Submissions (3):

CeGaT Center for Human Genetics Tuebingen
Classification: Likely benign. Last evaluated: 2025-02-01. Review status: criteria provided, single submitter. Criteria: CeGaT Center For Human Genetics Tuebingen Variant Classification Criteria Version 2. Collection method: clinical testing. Allele origin: germline. Affected: yes. Observed: 1 variant allele.
Comment: RBP4: BP4, BP7

Blueprint Genetics
Classification: Likely benign. Last evaluated: 2024-08-05. Review status: criteria provided, single submitter. Criteria: ACMG Guidelines, 2015. Collection method: clinical testing. Allele origin: germline.

Labcorp Genetics (formerly Invitae), Labcorp
Classification: Likely benign. Last evaluated: 2022-11-23. Review status: criteria provided, single submitter. Criteria: Invitae Variant Classification Sherloc (09022015). Collection method: clinical testing. Allele origin: germline.

NM_006744.4(RBP4):c.558C>T (p.Ile186=)

Gene: RBP4 (retinol binding protein 4; minus strand). Cytogenetic location: 10q23.33.
Variant type: single nucleotide variant.
Coding change: c.558C>T on transcript NM_006744.4 (MANE Select); coding-DNA position 558, C replaced by T.
Protein change: p.Ile186=; no amino-acid change (isoleucine 186 retained).
Molecular consequence: synonymous variant.
Genome position (GRCh38, 1-based): chr10:93,593,833, G>A on the plus strand (C>T on the coding strand, the complement: RBP4 is on the minus strand). VCF-style: chr10-93593833-G-A. GRCh37 (hg19) VCF-style: chr10-95353590-G-A.
Other names: c.558C>T, p.Ile186= (NM_001323517.1); c.552C>T, p.Ile184= (NM_001323518.2).
Identifiers: ClinVar variation 2162227 (VCV002162227.18), dbSNP rs374987431, ClinGen allele CA5609517.
Genomic context (GRCh38, chr10:93,593,833, plus strand): 5'-AACCCACTGCCCTGCAGGAAGAGCCAGAAGGCACCCTGCTCCTGACTCACCGTTGTGGAC[G>A]ATCAGCCTGTACTGCCTGGCCAGGCACAGCTCCTCCTGCCGCTGCCTTACAATCTTCTGC-3'
Protein context (NP_006735.2, residues 176-196): ELCLARQYRL[Ile186=]VHNGYCDGRS